The following is an entry in ClinVar:

ClinVar aggregate classification (germline): Uncertain significance (1 of 4 stars; one submission).

Submission:

Ambry Genetics
Classification: Uncertain significance. Last evaluated: 2024-10-14. Review status: criteria provided, single submitter. Criteria: Ambry Variant Classification Scheme 2023. Collection method: clinical testing. Allele origin: germline.
Comment: The p.I294T variant (also known as c.881T>C), located in coding exon 8 of the RAD54L gene, results from a T to C substitution at nucleotide position 881. The isoleucine at codon 294 is replaced by threonine, an amino acid with similar properties. This amino acid position is conserved. In addition, this alteration is predicted to be deleterious by in silico analysis. Based on the available evidence, the clinical significance of this variant remains unclear.

NM_003579.4(RAD54L):c.881T>C (p.Ile294Thr)

Gene: RAD54L (RAD54 like; plus strand). Cytogenetic location: 1p34.1.
Variant type: single nucleotide variant.
Coding change: c.881T>C on transcript NM_003579.4 (MANE Select); coding-DNA position 881, T replaced by C.
Protein change: p.Ile294Thr; replaces isoleucine 294 with threonine.
Molecular consequence: missense variant.
Genome position (GRCh38, 1-based): chr1:46,261,375, T>C. VCF-style: chr1-46261375-T-C. GRCh37 (hg19) VCF-style: chr1-46727047-T-C.
Other names: c.881T>C, p.Ile294Thr (NM_001142548.2); c.341T>C, p.Ile114Thr (NM_001370766.1); short protein forms I114T, I294T.
Identifiers: ClinVar variation 3429763 (VCV003429763.1).
Genomic context (GRCh38, chr1:46,261,375, plus strand): 5'-CCTATGAGACCTTCCGCCTTCATGTTGGAGTCCTCCAGAAAGGAAGTGTTGGTCTGGTCA[T>C]ATGTGACGAGGTACTTGACTCTCAGCAGTCTGGGTGGTAGGAGAAAATCTGTCAAAATCT-3'
Protein context (NP_003570.2, residues 284-304): VLQKGSVGLV[Ile294Thr]CDEGHRLKNS